The following is an entry in ClinVar:

ClinVar aggregate classification (germline): Uncertain significance (1 of 4 stars; one submission).

Submission:

Labcorp Genetics (formerly Invitae), Labcorp
Classification: Uncertain significance. Last evaluated: 2023-10-29. Review status: criteria provided, single submitter. Criteria: Invitae Variant Classification Sherloc (09022015). Collection method: clinical testing. Allele origin: germline.
Comment: This sequence change replaces proline, which is neutral and non-polar, with serine, which is neutral and polar, at codon 205 of the XK protein (p.Pro205Ser). This variant is not present in population databases (gnomAD no frequency). This variant has not been reported in the literature in individuals affected with XK-related conditions. Advanced modeling of protein sequence and biophysical properties (such as structural, functional, and spatial information, amino acid conservation, physicochemical variation, residue mobility, and thermodynamic stability) performed at Invitae indicates that this missense variant is not expected to disrupt XK protein function with a negative predictive value of 80%. In summary, the available evidence is currently insufficient to determine the role of this variant in disease. Therefore, it has been classified as a Variant of Uncertain Significance.

NM_021083.4(XK):c.613C>T (p.Pro205Ser)

Gene: XK (X-linked Kx blood group antigen, Kell and VPS13A binding protein; plus strand). Cytogenetic location: Xp21.1.
Variant type: single nucleotide variant.
Coding change: c.613C>T on transcript NM_021083.4 (MANE Select); coding-DNA position 613, C replaced by T.
Protein change: p.Pro205Ser; replaces proline 205 with serine.
Molecular consequence: missense variant.
Genome position (GRCh38, 1-based): chrX:37,727,740, C>T. VCF-style: chrX-37727740-C-T. GRCh37 (hg19) VCF-style: chrX-37586993-C-T.
Other names: short protein forms P205S.
Identifiers: ClinVar variation 2789697 (VCV002789697.3), dbSNP rs2519163316, ClinGen allele CA412973842.